The following is an entry in ClinVar:

NM_000478.6(ALPL):c.711G>C (p.Glu237Asp)

Gene: ALPL (alkaline phosphatase, biomineralization associated; plus strand). Cytogenetic location: 1p36.12.
Variant type: single nucleotide variant.
Coding change: c.711G>C on transcript NM_000478.6 (MANE Select); coding-DNA position 711, G replaced by C.
Protein change: p.Glu237Asp; replaces glutamic acid 237 with aspartic acid.
Molecular consequence: missense variant.
Genome position (GRCh38, 1-based): chr1:21,568,166, G>C. VCF-style: chr1-21568166-G-C. GRCh37 (hg19) VCF-style: chr1-21894659-G-C.
Other names: c.546G>C, p.Glu182Asp (NM_001127501.4); c.480G>C, p.Glu160Asp (NM_001177520.3); c.711G>C, p.Glu237Asp (NM_001369803.2, NM_001369804.2, NM_001369805.2); short protein forms E182D, E160D, E237D.
Identifiers: ClinVar variation 2844230 (VCV002844230.3), dbSNP rs2545317301, ClinGen allele CA338879204.

ClinVar aggregate classification (germline): Uncertain significance (1 of 4 stars; one submission).

Submission:

Labcorp Genetics (formerly Invitae), Labcorp
Classification: Uncertain significance. Last evaluated: 2023-03-08. Review status: criteria provided, single submitter. Criteria: Invitae Variant Classification Sherloc (09022015). Collection method: clinical testing. Allele origin: germline.
Comment: This sequence change replaces glutamic acid, which is acidic and polar, with aspartic acid, which is acidic and polar, at codon 237 of the ALPL protein (p.Glu237Asp). This variant is not present in population databases (gnomAD no frequency). This variant has not been reported in the literature in individuals affected with ALPL-related conditions. Algorithms developed to predict the effect of missense changes on protein structure and function output the following: SIFT: "Not Available"; PolyPhen-2: "Benign"; Align-GVGD: "Not Available". The aspartic acid amino acid residue is found in multiple mammalian species, which suggests that this missense change does not adversely affect protein function. In summary, the available evidence is currently insufficient to determine the role of this variant in disease. Therefore, it has been classified as a Variant of Uncertain Significance.